The following is an entry in ClinVar:

ClinVar aggregate classification (germline): Benign (0 of 4 stars; one submission).

Conditions:
DNAH17-related disorder. Also called: DNAH17-related condition.

Allele frequency attached by ClinVar (database versions not stated): ExAC 0.00218; ESP Exome Variant Server 0.00605; 1000 Genomes Project 0.00659; 1000 Genomes Project 30x 0.00687.
gnomAD v4.1: 2,114 of 1,610,834 alleles (0.13%); highest among the groups gnomAD compares: African/African-American, 2.1%; 24 homozygotes.

Submission:

PreventionGenetics, part of Exact Sciences
Classification: Benign for DNAH17-related condition. Last evaluated: 2019-02-18. Review status: no assertion criteria provided. Collection method: clinical testing. Allele origin: germline.
Comment: This variant is classified as benign based on ACMG/AMP sequence variant interpretation guidelines (Richards et al. 2015 PMID: 25741868, with internal and published modifications).

NM_173628.4(DNAH17):c.7041C>T (p.Tyr2347=)

Genes: DNAH17 (dynein axonemal heavy chain 17; minus strand), DNAH17-AS1 (DNAH17 antisense RNA 1; plus strand). Cytogenetic location: 17q25.3.
Variant type: single nucleotide variant.
Coding change: c.7041C>T on transcript NM_173628.4 (MANE Select); coding-DNA position 7041, C replaced by T.
Protein change: p.Tyr2347=; no amino-acid change (tyrosine 2347 retained).
Molecular consequence: synonymous variant.
Genome position (GRCh38, 1-based): chr17:78,486,284, G>A on the plus strand (C>T on the coding strand, the complement: DNAH17 is on the minus strand). VCF-style: chr17-78486284-G-A. GRCh37 (hg19) VCF-style: chr17-76482366-G-A.
Identifiers: ClinVar variation 3042078 (VCV003042078.2), dbSNP rs145820267, ClinGen allele CA8802511.